The following is an entry in ClinVar:

NM_003718.5(CDK13):c.3902C>T (p.Ala1301Val)

Gene: CDK13 (cyclin dependent kinase 13; plus strand). Cytogenetic location: 7p14.1.
Variant type: single nucleotide variant.
Coding change: c.3902C>T on transcript NM_003718.5 (MANE Select); coding-DNA position 3902, C replaced by T.
Protein change: p.Ala1301Val; replaces alanine 1301 with valine.
Molecular consequence: missense variant.
Genome position (GRCh38, 1-based): chr7:40,094,343, C>T. VCF-style: chr7-40094343-C-T. GRCh37 (hg19) VCF-style: chr7-40133942-C-T.
Other names: c.3722C>T, p.Ala1241Val (NM_031267.4); short protein forms A1241V, A1301V.
Identifiers: ClinVar variation 3265428 (VCV003265428.3).

ClinVar aggregate classification (germline): Uncertain significance. Review status: criteria provided, multiple submitters, no conflicts (2 of 4 stars). 2 submissions from 2 submitters: Uncertain significance (2). Last evaluated 2025-10-10.

Conditions:
Inborn genetic diseases. Identifiers: MedGen C0950123, MeSH D030342.

Submissions (2):

Labcorp Genetics (formerly Invitae), Labcorp
Classification: Uncertain significance. Last evaluated: 2025-10-10. Review status: criteria provided, single submitter. Criteria: Invitae Variant Classification Sherloc (09022015). Collection method: clinical testing. Allele origin: germline.
Comment: This sequence change replaces alanine, which is neutral and non-polar, with valine, which is neutral and non-polar, at codon 1301 of the CDK13 protein (p.Ala1301Val). This variant is present in population databases (rs371720031, gnomAD 0.004%), including at least one homozygous and/or hemizygous individual. This variant has not been reported in the literature in individuals affected with CDK13-related conditions. ClinVar contains an entry for this variant (Variation ID: 3265428). Invitae Evidence Modeling of protein sequence and biophysical properties (such as structural, functional, and spatial information, amino acid conservation, physicochemical variation, residue mobility, and thermodynamic stability) has been performed for this missense variant. However, the output from this modeling did not meet the statistical confidence thresholds required to predict the impact of this variant on CDK13 protein function. In summary, the available evidence is currently insufficient to determine the role of this variant in disease. Therefore, it has been classified as a Variant of Uncertain Significance.

Ambry Genetics
Classification: Uncertain significance for Inborn genetic diseases. Last evaluated: 2024-04-23. Review status: criteria provided, single submitter. Criteria: Ambry Variant Classification Scheme 2023. Collection method: clinical testing. Allele origin: germline.